The following is an entry in ClinVar:

ClinVar aggregate classification (germline): Uncertain significance (1 of 4 stars; one submission).

Conditions:
Ataxia-telangiectasia syndrome (AT). Also called: ATAXIA-TELANGIECTASIA, COMPLEMENTATION GROUP A; ATAXIA-TELANGIECTASIA, FRESNO VARIANT; Ataxia-telangiectasia; Ataxia-telangiectasia, complementation group D; AT, COMPLEMENTATION GROUP C; Ataxia-telangiectasia, complementation group E. Identifiers: Orphanet 100, MedGen C0004135, MONDO:0008840, OMIM 208900.

Submission:

Labcorp Genetics (formerly Invitae), Labcorp
Classification: Uncertain significance for Ataxia-telangiectasia syndrome. Last evaluated: 2019-12-08. Review status: criteria provided, single submitter. Criteria: Invitae Variant Classification Sherloc (09022015). Collection method: clinical testing. Allele origin: germline.
Comment: This variant has not been reported in the literature in individuals with ATM-related conditions. In summary, the available evidence is currently insufficient to determine the role of this variant in disease. Therefore, it has been classified as a Variant of Uncertain Significance. Algorithms developed to predict the effect of missense changes on protein structure and function are either unavailable or do not agree on the potential impact of this missense change (SIFT: "Deleterious"; PolyPhen-2: "Possibly Damaging"; Align-GVGD: "Class C15"). This variant is not present in population databases (ExAC no frequency). This sequence change replaces aspartic acid with asparagine at codon 2481 of the ATM protein (p.Asp2481Asn). The aspartic acid residue is highly conserved and there is a small physicochemical difference between aspartic acid and asparagine.

NM_000051.4(ATM):c.7441G>A (p.Asp2481Asn)

Genes: ATM (ATM serine/threonine kinase; plus strand), C11orf65 (chromosome 11 open reading frame 65; minus strand). Cytogenetic location: 11q22.3.
Variant type: single nucleotide variant.
Coding change: c.7441G>A on transcript NM_000051.4 (MANE Select); coding-DNA position 7441, G replaced by A.
Protein change: p.Asp2481Asn; replaces aspartic acid 2481 with asparagine.
Molecular consequence: missense variant. On other transcripts: intron variant (2).
Genome position (GRCh38, 1-based): chr11:108,330,347, G>A. VCF-style: chr11-108330347-G-A. GRCh37 (hg19) VCF-style: chr11-108201074-G-A.
Other names: c.7441G>A, p.Asp2481Asn (NM_001351834.2); c.641-21276C>T (NM_001330368.2); c.*38+4873C>T (NM_001351110.2); short protein forms D2481N.
Identifiers: ClinVar variation 852445 (VCV000852445.10), dbSNP rs2086127903, ClinGen allele CA382560299.